The following is an entry in ClinVar:

NM_001379200.1(TBX1):c.514G>T (p.Val172Leu)

Gene: TBX1 (T-box transcription factor 1; plus strand). Cytogenetic location: 22q11.21.
Variant type: single nucleotide variant.
Coding change: c.514G>T on transcript NM_001379200.1 (MANE Select); coding-DNA position 514, G replaced by T.
Protein change: p.Val172Leu; replaces valine 172 with leucine.
Molecular consequence: missense variant.
Genome position (GRCh38, 1-based): chr22:19,763,317, G>T. VCF-style: chr22-19763317-G-T. GRCh37 (hg19) VCF-style: chr22-19750840-G-T.
Other names: c.487G>T, p.Val163Leu (NM_005992.1, NM_080646.2, NM_080647.1); short protein forms V163L, V172L.
Identifiers: ClinVar variation 3669799 (VCV003669799.2).

ClinVar aggregate classification (germline): Uncertain significance (1 of 4 stars; one submission).

Conditions:
DiGeorge syndrome. Also called: THIRD AND FOURTH PHARYNGEAL POUCH SYNDROME; Catch22. Identifiers: Orphanet 567, MedGen C0012236, MONDO:0008564, OMIM 188400.

Submission:

Labcorp Genetics (formerly Invitae), Labcorp
Classification: Uncertain significance for DiGeorge syndrome. Last evaluated: 2024-08-08. Review status: criteria provided, single submitter. Criteria: Invitae Variant Classification Sherloc (09022015). Collection method: clinical testing. Allele origin: germline.
Comment: This sequence change replaces valine, which is neutral and non-polar, with leucine, which is neutral and non-polar, at codon 163 of the TBX1 protein (p.Val163Leu). This variant is not present in population databases (gnomAD no frequency). This variant has not been reported in the literature in individuals affected with TBX1-related conditions. Advanced modeling of protein sequence and biophysical properties (such as structural, functional, and spatial information, amino acid conservation, physicochemical variation, residue mobility, and thermodynamic stability) performed at Invitae indicates that this missense variant is not expected to disrupt TBX1 protein function with a negative predictive value of 80%. In summary, the available evidence is currently insufficient to determine the role of this variant in disease. Therefore, it has been classified as a Variant of Uncertain Significance.